The following is an entry in ClinVar:

ClinVar aggregate classification (germline): Likely benign (1 of 4 stars; one submission).

Allele frequency attached by ClinVar (database versions not stated): 1000 Genomes Project 30x 0.00094; 1000 Genomes Project 0.00120; ExAC 0.00378; TOPMed 0.00399; gnomAD 0.00432; gnomAD exomes 0.00675.
gnomAD v4.1: 10,352 of 1,612,858 alleles (0.64%); highest among the groups gnomAD compares: Non-Finnish European, 0.8%; 41 homozygotes.

Submission:

CeGaT Center for Human Genetics Tuebingen
Classification: Likely benign. Last evaluated: 2022-12-01. Review status: criteria provided, single submitter. Criteria: CeGaT Center For Human Genetics Tuebingen Variant Classification Criteria Version 2. Collection method: clinical testing. Allele origin: germline. Affected: yes. Observed: 1 variant allele.
Comment: POTEE: BS2

NM_001083538.3(POTEE):c.13G>A (p.Val5Ile)

Gene: POTEE (POTE ankyrin domain family member E; plus strand). Cytogenetic location: 2q21.1.
Variant type: single nucleotide variant.
Coding change: c.13G>A on transcript NM_001083538.3 (MANE Select); coding-DNA position 13, G replaced by A.
Protein change: p.Val5Ile; replaces valine 5 with isoleucine.
Molecular consequence: missense variant.
Genome position (GRCh38, 1-based): chr2:131,218,415, G>A. VCF-style: chr2-131218415-G-A. GRCh37 (hg19) VCF-style: chr2-131975988-G-A.
Other names: short protein forms V5I.
Identifiers: ClinVar variation 2651372 (VCV002651372.24), dbSNP rs201912362, ClinGen allele CA1876149.
Genomic context (GRCh38, chr2:131,218,415, plus strand): 5'-GACGCGATCTGTTGGCTACTACTGGCTTCTCCTGGCTGTTAAAAGCAGATGGTGGTTGAG[G>A]TTGATTCCATGCCGGCTGCCTCTTCTGTGAAGAAGCCATTTGGTCTCAGGAGCAAGATGG-3'
Protein context (NP_001077007.1, residues 1-15): MVVE[Val5Ile]DSMPAASSVK